The following is an entry in ClinVar:

NM_018139.3(DNAAF2):c.1856C>T (p.Ser619Phe)

Gene: DNAAF2 (dynein axonemal assembly factor 2; minus strand). Cytogenetic location: 14q21.3.
Variant type: single nucleotide variant.
Coding change: c.1856C>T on transcript NM_018139.3 (MANE Select); coding-DNA position 1856, C replaced by T.
Protein change: p.Ser619Phe; replaces serine 619 with phenylalanine.
Molecular consequence: missense variant. On other transcripts: intron variant (1).
Genome position (GRCh38, 1-based): chr14:49,633,294, G>A on the plus strand (C>T on the coding strand, the complement: DNAAF2 is on the minus strand). VCF-style: chr14-49633294-G-A. GRCh37 (hg19) VCF-style: chr14-50100012-G-A.
Other names: c.1856C>T, p.Ser619Phe (NM_001083908.2); c.-205+189C>T (NM_001378453.1); short protein forms S619F.
Identifiers: ClinVar variation 2074886 (VCV002074886.4), dbSNP rs1224874110, ClinGen allele CA389625877.

ClinVar aggregate classification (germline): Uncertain significance (1 of 4 stars; one submission).

Conditions:
Primary ciliary dyskinesia. Also called: Ciliary dyskinesia. Identifiers: Orphanet 244, MedGen C0008780, MONDO:0016575, HP:0012265.

Allele frequency attached by ClinVar (database versions not stated): gnomAD 0.00001; gnomAD exomes 0.00001; TOPMed 0.00001.

Submission:

Labcorp Genetics (formerly Invitae), Labcorp
Classification: Uncertain significance for Primary ciliary dyskinesia. Last evaluated: 2022-04-04. Review status: criteria provided, single submitter. Criteria: Invitae Variant Classification Sherloc (09022015). Collection method: clinical testing. Allele origin: germline.
Comment: In summary, the available evidence is currently insufficient to determine the role of this variant in disease. Therefore, it has been classified as a Variant of Uncertain Significance. Algorithms developed to predict the effect of missense changes on protein structure and function are either unavailable or do not agree on the potential impact of this missense change (SIFT: "Deleterious"; PolyPhen-2: "Possibly Damaging"; Align-GVGD: "Class C0"). This variant has not been reported in the literature in individuals affected with DNAAF2-related conditions. This variant is not present in population databases (gnomAD no frequency). This sequence change replaces serine, which is neutral and polar, with phenylalanine, which is neutral and non-polar, at codon 619 of the DNAAF2 protein (p.Ser619Phe).